The following is an entry in ClinVar:

ClinVar aggregate classification (germline): Conflicting classifications of pathogenicity. Review status: criteria provided, conflicting classifications (1 of 4 stars). 4 submissions from 4 submitters: Uncertain significance (2); Likely benign (2). Last evaluated 2026-07-09.

Conditions:
Hereditary cancer-predisposing syndrome. Also called: Tumor predisposition; Hereditary Cancer Syndrome; Neoplastic Syndromes, Hereditary; Hereditary neoplastic syndrome. Identifiers: Orphanet 140162, MedGen C0027672, MeSH D009386, MONDO:0015356.
Hereditary breast ovarian cancer syndrome. Also called: Hereditary breast and ovarian cancer; BRCA1- and BRCA2-Associated Hereditary Breast and Ovarian Cancer; Breast and ovarian cancer; Hereditary breast and/or ovarian cancer syndrome; Hereditary breast and ovarian cancer syndrome; Hereditary breast and ovarian cancer syndrome (HBOC). Identifiers: Orphanet 145, MedGen C0677776, MeSH D061325, MONDO:0003582. Disease mechanism: loss of function.

Allele frequency attached by ClinVar (database versions not stated): gnomAD exomes below 0.00001; ExAC 0.00001.
gnomAD v4.1: 2 of 1,602,988 alleles (0.00012%); highest among the groups gnomAD compares: Non-Finnish European, 0.00017%; no homozygotes.

Submissions (4):

Ambry Genetics
Classification: Likely benign for Hereditary cancer-predisposing syndrome. Last evaluated: 2026-07-09. Review status: criteria provided, single submitter. Criteria: Ambry Variant Classification Scheme 2023. Collection method: clinical testing. Allele origin: germline.

Color Diagnostics, LLC DBA Color Health
Classification: Uncertain significance for Hereditary cancer-predisposing syndrome. Last evaluated: 2025-06-24. Review status: criteria provided, single submitter. Criteria: ACMG Guidelines, 2015. Collection method: clinical testing. Allele origin: germline.
Comment: This missense variant replaces aspartic acid with glycine at codon 651 of the BRCA2 protein. Computational prediction suggests that this variant may not impact protein structure and function. To our knowledge, functional studies have not been reported for this variant. This variant has been reported in a breast cancer and a pancreatic cancer case-control study in 1 unaffected individual and absent in cancer cases (PMID: 30287823, 32980694). This variant has not been identified in the general population by the Genome Aggregation Database (gnomAD). The available evidence is insufficient to determine the role of this variant in disease conclusively. Therefore, this variant is classified as a Variant of Uncertain Significance.

University of Washington Department of Laboratory Medicine, University of Washington
Classification: Likely benign for Hereditary cancer-predisposing syndrome. Last evaluated: 2023-03-23. Review status: criteria provided, single submitter. Criteria: Dines et al. (Genet Med. 2020). Collection method: curation. Allele origin: germline.
Comment: Missense variant in a coldspot region where missense variants are very unlikely to be pathogenic (PMID:31911673).

BRCA2 exon 11 coldspot. Reclassification based on statistical prior probability.

Labcorp Genetics (formerly Invitae), Labcorp
Classification: Uncertain significance for Hereditary breast ovarian cancer syndrome. Last evaluated: 2022-10-20. Review status: criteria provided, single submitter. Criteria: Invitae Variant Classification Sherloc (09022015). Collection method: clinical testing. Allele origin: germline.
Comment: This sequence change replaces aspartic acid, which is acidic and polar, with glycine, which is neutral and non-polar, at codon 651 of the BRCA2 protein (p.Asp651Gly). The frequency data for this variant in the population databases is considered unreliable, as metrics indicate poor data quality at this position in the gnomAD database. This variant has not been reported in the literature in individuals affected with BRCA2-related conditions. ClinVar contains an entry for this variant (Variation ID: 820399). Advanced modeling of protein sequence and biophysical properties (such as structural, functional, and spatial information, amino acid conservation, physicochemical variation, residue mobility, and thermodynamic stability) performed at Invitae indicates that this missense variant is not expected to disrupt BRCA2 protein function. In summary, the available evidence is currently insufficient to determine the role of this variant in disease. Therefore, it has been classified as a Variant of Uncertain Significance.

Literature cited by the submitters: PubMed 30287823 (cited by Ambry Genetics and Color Diagnostics, LLC DBA Color Health); PubMed 32980694 (cited by Color Diagnostics, LLC DBA Color Health).

NM_000059.4(BRCA2):c.1952A>G (p.Asp651Gly)

Gene: BRCA2 (BRCA2 DNA repair associated; plus strand). Cytogenetic location: 13q13.1.
Variant type: single nucleotide variant.
Coding change: c.1952A>G on transcript NM_000059.4 (MANE Select); coding-DNA position 1952, A replaced by G.
Protein change: p.Asp651Gly; replaces aspartic acid 651 with glycine.
Molecular consequence: missense variant.
Genome position (GRCh38, 1-based): chr13:32,336,307, A>G. VCF-style: chr13-32336307-A-G. GRCh37 (hg19) VCF-style: chr13-32910444-A-G.
Other names: short protein forms D651G.
Identifiers: ClinVar variation 820399 (VCV000820399.12), dbSNP rs747387987, ClinGen allele CA6940567.